The following is an entry in ClinVar:

ClinVar aggregate classification (germline): Likely pathogenic. Review status: criteria provided, multiple submitters, no conflicts (2 of 4 stars). 2 submissions from 2 submitters: Likely pathogenic (2). Last evaluated 2022-09-21.

Conditions:
Fanconi anemia (FA). Also called: Fanconi's anemia. Identifiers: Orphanet 84, MedGen C0015625, MeSH D005199, MONDO:0019391.
FANCI-related disorders.

Allele frequency attached by ClinVar (database versions not stated): gnomAD exomes below 0.00001; gnomAD 0.00001.

Submissions (2):

Labcorp Genetics (formerly Invitae), Labcorp
Classification: Likely pathogenic for Fanconi anemia. Last evaluated: 2022-09-21. Review status: criteria provided, single submitter. Criteria: Invitae Variant Classification Sherloc (09022015). Collection method: clinical testing. Allele origin: germline.
Comment: In summary, the currently available evidence indicates that the variant is pathogenic, but additional data are needed to prove that conclusively. Therefore, this variant has been classified as Likely Pathogenic. Algorithms developed to predict the effect of sequence changes on RNA splicing suggest that this variant may disrupt the consensus splice site. This variant has not been reported in the literature in individuals affected with FANCI-related conditions. This variant is not present in population databases (gnomAD no frequency). This variant results in the deletion of part of exon 7 (c.542_545+57del) of the FANCI gene. It is expected to disrupt RNA splicing. Variants that disrupt the donor or acceptor splice site typically lead to a loss of protein function (PMID: 16199547), and loss-of-function variants in FANCI are known to be pathogenic (PMID: 17452773, 17460694).

Blueprint Genetics
Classification: Likely pathogenic for FANCI-related disorders. Last evaluated: 2022-01-18. Review status: criteria provided, single submitter. Criteria: ACMG Guidelines, 2015. Collection method: clinical testing. Allele origin: germline. Affected: yes. Observed: 1 variant allele.

Literature cited by the submitters: PubMed 16199547 (cited by Labcorp Genetics (formerly Invitae), Labcorp); PubMed 17452773 (cited by Labcorp Genetics (formerly Invitae), Labcorp); PubMed 17460694 (cited by Labcorp Genetics (formerly Invitae), Labcorp).

NM_001113378.2(FANCI):c.542_545+57del

Gene: FANCI (FA complementation group I; plus strand). Cytogenetic location: 15q26.1.
Variant type: Deletion.
Coding change: c.542_545+57del on transcript NM_001113378.2 (MANE Select); coding-DNA position 542 through 57 bases into the intron after coding-DNA position 545, 61 bases deleted.
Molecular consequence: splice donor variant.
Genome position (GRCh38, 1-based): chr15:89,263,457-89,263,517, 61 bases deleted. GRCh37 (hg19): chr15:89,806,688-89,806,748.
Other names: c.542_545+57del (NM_018193.3, NM_001376911.1); c.263_266+57del (NM_001376910.1).
Identifiers: ClinVar variation 2061474 (VCV002061474.5), dbSNP rs2052801409, ClinGen allele CA972591069.